The following is an entry in ClinVar:

ClinVar aggregate classification (germline): Uncertain significance (1 of 4 stars; one submission).

Conditions:
Autosomal recessive spastic paraplegia type 78. Identifiers: Orphanet 513436, MedGen C5567893, MONDO:0014975, OMIM 617225.
Kufor-Rakeb syndrome (KRS). Also called: PARKINSON DISEASE 9, AUTOSOMAL RECESSIVE, JUVENILE-ONSET. Identifiers: Orphanet 306674, Orphanet 314632, MedGen C1847640, MONDO:0011706, OMIM 606693.

Allele frequency attached by ClinVar (database versions not stated): ExAC 0.00001; gnomAD 0.00001; gnomAD exomes 0.00001.

Submission:

Labcorp Genetics (formerly Invitae), Labcorp
Classification: Uncertain significance for Kufor-Rakeb syndrome; Autosomal recessive spastic paraplegia type 78. Last evaluated: 2021-10-28. Review status: criteria provided, single submitter. Criteria: Invitae Variant Classification Sherloc (09022015). Collection method: clinical testing. Allele origin: germline.
Comment: In summary, the available evidence is currently insufficient to determine the role of this variant in disease. Therefore, it has been classified as a Variant of Uncertain Significance. Advanced modeling of protein sequence and biophysical properties (such as structural, functional, and spatial information, amino acid conservation, physicochemical variation, residue mobility, and thermodynamic stability) performed at Invitae indicates that this missense variant is not expected to disrupt ATP13A2 protein function. This variant has not been reported in the literature in individuals affected with ATP13A2-related conditions. This variant is present in population databases (rs762570832, gnomAD 0.003%). This sequence change replaces arginine, which is basic and polar, with glutamine, which is neutral and polar, at codon 129 of the ATP13A2 protein (p.Arg129Gln).

NM_022089.4(ATP13A2):c.386G>A (p.Arg129Gln)

Gene: ATP13A2 (ATPase cation transporting 13A2; minus strand). Cytogenetic location: 1p36.13.
Variant type: single nucleotide variant.
Coding change: c.386G>A on transcript NM_022089.4 (MANE Select); coding-DNA position 386, G replaced by A.
Protein change: p.Arg129Gln; replaces arginine 129 with glutamine.
Molecular consequence: missense variant.
Genome position (GRCh38, 1-based): chr1:17,004,783, C>T on the plus strand (G>A on the coding strand, the complement: ATP13A2 is on the minus strand). VCF-style: chr1-17004783-C-T. GRCh37 (hg19) VCF-style: chr1-17331278-C-T.
Other names: c.386G>A, p.Arg129Gln (NM_001141973.3, NM_001141974.3); short protein forms R129Q.
Identifiers: ClinVar variation 1448467 (VCV001448467.6), dbSNP rs762570832, ClinGen allele CA637655.